The following is an entry in ClinVar:

ClinVar aggregate classification (germline): Uncertain significance (1 of 4 stars; one submission).

Conditions:
Developmental and epileptic encephalopathy. Identifiers: MedGen C5779964, MONDO:0100620.

Allele frequency attached by ClinVar (database versions not stated): TOPMed below 0.00001; gnomAD exomes 0.00001 and 0.00002.

Submission:

Labcorp Genetics (formerly Invitae), Labcorp
Classification: Uncertain significance for Early infantile epileptic encephalopathy with suppression bursts. Last evaluated: 2018-08-15. Review status: criteria provided, single submitter. Criteria: Invitae Variant Classification Sherloc (09022015). Collection method: clinical testing. Allele origin: germline.
Comment: This sequence change replaces valine with isoleucine at codon 829 of the ARHGEF15 protein (p.Val829Ile). The valine residue is moderately conserved and there is a small physicochemical difference between valine and isoleucine. This variant is not present in population databases (ExAC no frequency). This variant has not been reported in the literature in individuals with ARHGEF15-related disease. Algorithms developed to predict the effect of missense changes on protein structure and function (SIFT, PolyPhen-2, Align-GVGD) all suggest that this variant is likely to be tolerated, but these predictions have not been confirmed by published functional studies and their clinical significance is uncertain. In summary, the available evidence is currently insufficient to determine the role of this variant in disease. Therefore, it has been classified as a Variant of Uncertain Significance.

NM_173728.4(ARHGEF15):c.2485G>A (p.Val829Ile)

Gene: ARHGEF15 (Rho guanine nucleotide exchange factor 15; plus strand). Cytogenetic location: 17p13.1.
Variant type: single nucleotide variant.
Coding change: c.2485G>A on transcript NM_173728.4 (MANE Select); coding-DNA position 2485, G replaced by A.
Protein change: p.Val829Ile; replaces valine 829 with isoleucine.
Molecular consequence: missense variant.
Genome position (GRCh38, 1-based): chr17:8,320,952, G>A. VCF-style: chr17-8320952-G-A. GRCh37 (hg19) VCF-style: chr17-8224270-G-A.
Other names: c.2485G>A, p.Val829Ile (NM_025014.2); short protein forms V829I.
Identifiers: ClinVar variation 639110 (VCV000639110.2), dbSNP rs1416824768, ClinGen allele CA398026123.
Genomic context (GRCh38, chr17:8,320,952, plus strand): 5'-GTCACAGGGGAACACGAAAGGAGGAGGCACCTTCGCCAGAACCAGAGGCTTCTCGAGGCT[G>A]TTGGATCTTCTTCAGGCACCCCCAATGCCCCCCCACCCTAATGCAGGCTGAGGAGGGGGC-3'
Protein context (NP_776089.2, residues 819-839): LRQNQRLLEA[Val829Ile]GSSSGTPNAP